The following is an entry in ClinVar:

ClinVar aggregate classification (germline): Uncertain significance. Review status: reviewed by expert panel (3 of 4 stars). 11 submissions from 11 submitters: Uncertain significance (1). 10 of the submissions do not count toward it. Last evaluated 2025-03-25.

Conditions:
Autosomal recessive limb-girdle muscular dystrophy. Identifiers: Orphanet 102015, MedGen C2931907, MONDO:0015152.
Autosomal recessive limb-girdle muscular dystrophy type 2A (LGMDR1). Also called: Limb-girdle muscular dystrophy, type 2A; Calpainopathy; Muscular dystrophy, limb-girdle, type 2A, Amish; LEYDEN-MOEBIUS MUSCULAR DYSTROPHY; MUSCULAR DYSTROPHY, PELVOFEMORAL. Identifiers: Orphanet 267, MedGen C1869123, MONDO:0009675, OMIM 253600. Disease mechanism: loss of function.

Allele frequency attached by ClinVar (database versions not stated): gnomAD 0.00001 and 0.00002; gnomAD exomes 0.00002 and 0.00006; TOPMed 0.00002; ExAC 0.00004.
gnomAD v4.1: 34 of 1,613,554 alleles (0.0021%); highest among the groups gnomAD compares: South Asian, 0.019%; 1 homozygote.

Submissions (11):

ClinGen Limb Girdle Muscular Dystrophy Variant Curation Expert Panel, ClinGen
Classification: Uncertain significance for Autosomal recessive limb-girdle muscular dystrophy. Last evaluated: 2025-03-25. Review status: reviewed by expert panel. Criteria: ClinGen LGMD VCEP ACMG Specifications CAPN3 V1.0.0. Collection method: curation. Allele origin: germline. Inheritance: Autosomal recessive inheritance.
Comment: The NM_000070.3: c.398C>T variant in CAPN3 is a missense variant predicted to cause substitution of alanine by valine at position 133, p.(Ala133Val). This variant has been reported in two unrelated individuals with a clinical diagnosis of LGMD, where it was confirmed in trans with a likely pathogenic or pathogenic variant (c.598_612del p.(Phe200_Leu204del), 1.0 pt x2, PMID: 16141003, LOVD individuals #00214184, #00214185; PM3_Strong, PP4). However, it has also been observed in a homozygous state or in trans with a second presumed diagnostic CAPN3 variant (c.133G>A p.(Ala45Thr), c.1303G>A (p.Glu435Lys)) in three individuals without a clear LGMD phenotype (ClinVar SCV001985435.3, SCV003509679.1 internal data communication). The filtering allele frequency of this variant is 0.0001855 (the upper threshold of the 95% CI of 16/86246 exome chromosomes) in the South Asian population in gnomAD v4.1.0, which is greater than the ClinGen LGMD VCEP threshold (≤0.0001) (PM2_Supporting not met). Of note, the South Asian population also includes one homozygous individual of unknown age. The computational predictor REVEL gives a score of 0.959, which is above the LGMD VCEP threshold of ≥0.70, evidence that correlates with impact to CAPN3 function (PP3). In summary, while 6 Bayesian points were awarded to this variant based on the ACMG/AMP criteria applied, as specified by the ClinGen LGMD VCEP (PM3_Strong, PP3, PP4), given the conflicting evidence, the VCEP has opted to classify it as a variant of uncertain significance for autosomal recessive limb girdle muscular dystrophy (LGMD VCEP specifications version 1.0.0; 03/25/2025).

Myriad Genetics, Inc.
Classification: Uncertain significance for Autosomal recessive limb-girdle muscular dystrophy type 2A. Last evaluated: 2025-08-19. Review status: criteria provided, single submitter. Criteria: Myriad Autosomal Dominant, Autosomal Recessive and X-Linked Classification Criteria (2023). Collection method: clinical testing. Allele origin: unknown. Not counted in ClinVar's aggregate classification.
Comment: NM_000070.2(CAPN3):c.398C>T(A133V) is a missense variant classified as a variant of uncertain significance in the context of calpainopathy. A133V has been observed in cases with relevant disease (PMID: 16141003). Relevant functional assessments of this variant are not available in the literature. A133V has been observed in referenced population frequency databases. In summary, there is insufficient evidence to classify NM_000070.2(CAPN3):c.398C>T(A133V) as pathogenic or benign. Please note: this variant was assessed in the context of healthy population screening.

GeneDx
Classification: Uncertain significance. Last evaluated: 2025-02-07. Review status: criteria provided, single submitter. Criteria: GeneDx Variant Classification Process June 2021. Collection method: clinical testing. Allele origin: germline. Affected: yes. Not counted in ClinVar's aggregate classification.
Comment: Identified in a patient with limb-girdle muscular dystrophy who also harbored a second variant in CAPN3, however, it is unknown if these variants were on the same (in cis) or opposite (in trans) CAPN3 allele (PMID: 16141003); In silico analysis supports that this missense variant has a deleterious effect on protein structure/function; This variant is associated with the following publications: (PMID: 16141003)

Blueprint Genetics
Classification: Uncertain significance. Last evaluated: 2024-06-12. Review status: criteria provided, single submitter. Criteria: ACMG Guidelines, 2015. Collection method: clinical testing. Allele origin: germline. Not counted in ClinVar's aggregate classification.

CeGaT Center for Human Genetics Tuebingen
Classification: Uncertain significance. Last evaluated: 2023-05-01. Review status: criteria provided, single submitter. Criteria: CeGaT Center For Human Genetics Tuebingen Variant Classification Criteria Version 2. Collection method: clinical testing. Allele origin: germline. Affected: yes. Observed: 1 variant allele. Not counted in ClinVar's aggregate classification.
Comment: CAPN3: PM2, PM3:Supporting, PP3

Labcorp Genetics (formerly Invitae), Labcorp
Classification: Uncertain significance for Autosomal recessive limb-girdle muscular dystrophy type 2A. Last evaluated: 2022-10-05. Review status: criteria provided, single submitter. Criteria: Invitae Variant Classification Sherloc (09022015). Collection method: clinical testing. Allele origin: germline. Not counted in ClinVar's aggregate classification.
Comment: This sequence change replaces alanine, which is neutral and non-polar, with valine, which is neutral and non-polar, at codon 133 of the CAPN3 protein (p.Ala133Val). This variant is present in population databases (rs774685118, gnomAD 0.02%). This missense change has been observed in individual(s) with clinical features of autosomal recessive limb-girdle muscular dystrophy (PMID: 16141003). ClinVar contains an entry for this variant (Variation ID: 290335). Advanced modeling of protein sequence and biophysical properties (such as structural, functional, and spatial information, amino acid conservation, physicochemical variation, residue mobility, and thermodynamic stability) performed at Invitae indicates that this missense variant is expected to disrupt CAPN3 protein function. In summary, the available evidence is currently insufficient to determine the role of this variant in disease. Therefore, it has been classified as a Variant of Uncertain Significance.

Women's Health and Genetics/Laboratory Corporation of America, LabCorp
Classification: Uncertain significance. Last evaluated: 2022-10-03. Review status: criteria provided, single submitter. Criteria: LabCorp Variant Classification Summary - May 2015. Collection method: clinical testing. Allele origin: germline. Not counted in ClinVar's aggregate classification.
Comment: Variant summary: CAPN3 c.398C>T (p.Ala133Val) results in a non-conservative amino acid change located in the catalytic domain (IPR001300) of the encoded protein sequence. Five of five in-silico tools predict a damaging effect of the variant on protein function. The variant allele was found at a frequency of 6e-05 in 251410 control chromosomes (gnomAD). This frequency is not higher than the estimated maximum expected for a pathogenic variant in CAPN3 causing Limb-Girdle Muscular Dystrophy, Autosomal Recessive (0.0032), allowing no conclusion about variant significance. The variant, c.398C>T, has been reported in the literature in 2 individuals affected with Limb-Girdle Muscular Dystrophy, who were described as compound heterozygotes, however no 2nd variant was specified (Piluso_2005). These data indicate that the variant may be associated with disease. To our knowledge, no experimental evidence demonstrating an impact on protein function has been reported. Four clinical diagnostic laboratories have submitted clinical-significance assessments for this variant to ClinVar after 2014, and all of them classified the variant as uncertain significance. Based on the evidence outlined above, the variant was classified as VUS-possibly pathogenic.

Genome-Nilou Lab
Classification: Uncertain significance for Autosomal recessive limb-girdle muscular dystrophy type 2A. Last evaluated: 2021-06-10. Review status: criteria provided, single submitter. Criteria: ACMG Guidelines, 2015. Collection method: clinical testing. Allele origin: germline. Affected: no. Not counted in ClinVar's aggregate classification.

Eurofins Ntd Llc (ga)
Classification: Uncertain significance. Last evaluated: 2016-09-14. Review status: criteria provided, single submitter. Criteria: EGL Classification Definitions 2015. Collection method: clinical testing. Allele origin: germline. Observed: 1 variant allele, 1 heterozygote. Not counted in ClinVar's aggregate classification.

Breakthrough Genomics
Classification: Uncertain significance. Review status: criteria provided, single submitter. Criteria: ACMG Guidelines, 2015. Collection method: not provided. Allele origin: germline. Inheritance: Autosomal recessive inheritance. Affected: yes. Not counted in ClinVar's aggregate classification.

Counsyl
Classification: Uncertain significance for Autosomal recessive limb-girdle muscular dystrophy type 2A. Last evaluated: 2017-07-07. Review status: no assertion criteria provided. Collection method: clinical testing. Allele origin: unknown. Not counted in ClinVar's aggregate classification.

Literature cited by the submitters: PubMed 16141003 (cited by 4 submitters); PubMed 20686710 (cited by Women's Health and Genetics/Laboratory Corporation of America, LabCorp); PubMed 27142102 (cited by Women's Health and Genetics/Laboratory Corporation of America, LabCorp).

NM_000070.3(CAPN3):c.398C>T (p.Ala133Val)

Genes: CAPN3 (calpain 3; plus strand), LOC126862115 (BRD4-independent group 4 enhancer GRCh37_chr15:42677734-42678933; plus strand). Cytogenetic location: 15q15.1.
Variant type: single nucleotide variant.
Coding change: c.398C>T on transcript NM_000070.3 (MANE Select); coding-DNA position 398, C replaced by T.
Protein change: p.Ala133Val; replaces alanine 133 with valine.
Molecular consequence: missense variant.
Genome position (GRCh38, 1-based): chr15:42,386,185, C>T. VCF-style: chr15-42386185-C-T. GRCh37 (hg19) VCF-style: chr15-42678383-C-T.
Other names: NM_000070.3(CAPN3):c.398C>T; p.Ala133Val; c.398C>T, p.Ala133Val (NM_024344.2, NM_173087.2); short protein forms A133V.
Identifiers: ClinVar variation 290335 (VCV000290335.40), dbSNP rs774685118, ClinGen allele CA7511008.